The following continues an entry in ClinVar:

NM_000179.3(MSH6):c.1483C>T (p.Arg495Ter)

Gene: MSH6. ClinVar aggregate classification (germline): Pathogenic. Pathogenic (1).

Submissions 11 to 26 of 26:

Color Diagnostics, LLC DBA Color Health
Classification: Pathogenic for Hereditary cancer-predisposing syndrome. Last evaluated: 2023-10-11. Review status: criteria provided, single submitter. Criteria: ACMG Guidelines, 2015. Collection method: clinical testing. Allele origin: germline. Not counted in ClinVar's aggregate classification.
Comment: This variant changes 1 nucleotide in exon 4 of the MSH6 gene, creating a premature translation stop signal. This variant is expected to result in an absent or non-functional protein product. To our knowledge, functional studies have not been reported for this variant. This variant has been reported in individuals affected with Lynch syndrome (PMID: 20587412, 21642682, 23294250, 26437257, 27601186, 27013479, 28874130) and breast cancer (PMID: 33471991, 28724667). This variant has been identified in 1/251182 chromosomes in the general population by the Genome Aggregation Database (gnomAD). Loss of MSH6 function is a known mechanism of disease. Based on the available evidence, this variant is classified as Pathogenic.

Myriad Genetics, Inc.
Classification: Pathogenic for Lynch syndrome 5. Last evaluated: 2023-08-14. Review status: criteria provided, single submitter. Criteria: Myriad Autosomal Dominant, Autosomal Recessive and X-Linked Classification Criteria (2023). Collection method: clinical testing. Allele origin: unknown. Not counted in ClinVar's aggregate classification.
Comment: This variant is considered pathogenic. This variant creates a termination codon and is predicted to result in premature protein truncation.

CeGaT Center for Human Genetics Tuebingen
Classification: Pathogenic. Last evaluated: 2023-08-01. Review status: criteria provided, single submitter. Criteria: CeGaT Center For Human Genetics Tuebingen Variant Classification Criteria Version 2. Collection method: clinical testing. Allele origin: germline. Affected: yes. Observed: 1 variant allele. Not counted in ClinVar's aggregate classification.
Comment: MSH6: PVS1, PS4:Moderate

Human Genetics Bochum, Ruhr University Bochum
Classification: Pathogenic for Lynch syndrome 5. Last evaluated: 2023-03-28. Review status: criteria provided, single submitter. Criteria: ACMG Guidelines, 2015. Collection method: clinical testing. Allele origin: germline. Affected: yes. Not counted in ClinVar's aggregate classification.
Comment: ACMG criteria used to clasify this variant:PVS1, PS4, PM2_SUP

Institute for Genomic Medicine (IGM) Clinical Laboratory, Nationwide Children's Hospital
Classification: Pathogenic for Hereditary cancer-predisposing syndrome. Last evaluated: 2023-01-06. Review status: criteria provided, single submitter. Criteria: ACMG Guidelines, 2015. Collection method: clinical testing. Allele origin: germline. Not counted in ClinVar's aggregate classification.
Comment: This variant is predicted to result in loss of function through nonsense-mediated decay of the encoded transcript or premature truncation of the encoded protein in a gene in which loss of function is a known mechanism of disease (ACMG/AMP: PVS1; PMIDs:20587412, 26437257, 28874130). Well-established functional studies have demonstrated this variant to have a damaging effect on protein function or splicing (ACMG/AMP: PS3_Supporting; PMID:27013479). This variant has been reported at an elevated frequency in affected individuals/in multiple affected individuals in the literature (ACMG/AMP: PS4; PMIDs:23294250, 26437257, 27013479, 28874130). This variant is absent from or present at an exceedingly low frequency in gnomAD, a large-scale control population database (ACMG/AMP: PM2).

Laboratory for Molecular Medicine, Mass General Brigham Personalized Medicine
Classification: Pathogenic for Lynch syndrome. Last evaluated: 2022-03-01. Review status: criteria provided, single submitter. Criteria: ACMG Guidelines, 2015. Collection method: clinical testing. Allele origin: germline. Inheritance: Autosomal dominant inheritance. Not counted in ClinVar's aggregate classification.
Comment: The p.Arg495X variant in MSH6 has been reported in at least 7 individuals with MSH6-associated cancers and at least 1 individual with breast cancer (Sjursen 2010 PMID: 20587412, Bonadona 2011 PMID: 21642682, Beggs 2013 PMID: 23294250, Carneiro da Silva 2015 PMID: 26437257, Lagerstedt-Robinson 2016 PMID: 27601186, Rossi 2017 PMID: 28874130, Sun 2017 PMID: 28724667, Tian 2019 PMID: 31054147). It has also been identified in 0.003% (1/30616) of South Asian chromosomes by gnomAD. This nonsense variant leads to a premature termination codon at position 495, which is predicted to lead to a truncated or absent protein. Loss of function of the MSH6 gene is an established disease mechanism in autosomal dominant Lynch syndrome. Additionally, this variant was classified as pathogenic on September 5, 2013 by the ClinGen-approved InSiGHT expert panel (ClinVar Variation ID 89197). In summary, this variant meets criteria to be classified as pathogenic for autosomal dominant Lynch syndrome. ACMG/AMP Criteria applied: PVS1, PM2_Supporting, PS4_Moderate.

Revvity Omics, Revvity
Classification: Pathogenic. Last evaluated: 2019-06-04. Review status: criteria provided, single submitter. Criteria: ACMG Guidelines, 2015. Collection method: clinical testing. Allele origin: germline. Not counted in ClinVar's aggregate classification.

Clinical and Functional Genomics Group, A.C.Camargo Cancer Center
Classification: Pathogenic for Lynch syndrome. Last evaluated: 2019-01-30. Review status: criteria provided, single submitter. Criteria: Carneiro da Silva F et al. (PLoS One 2015). Collection method: research. Allele origin: germline. Affected: yes. Observed: 1 variant allele. Not counted in ClinVar's aggregate classification.

Quest Diagnostics Nichols Institute San Juan Capistrano
Classification: Pathogenic. Last evaluated: 2018-04-09. Review status: criteria provided, single submitter. Criteria: Quest Diagnostics criteria. Collection method: clinical testing. Allele origin: germline. Not counted in ClinVar's aggregate classification.

University of Washington Department of Laboratory Medicine, University of Washington
Classification: Pathogenic for Hereditary nonpolyposis colon cancer. Last evaluated: 2015-11-20. Review status: criteria provided, single submitter. Criteria: Shirts et al. (Genet Med 2016). Collection method: clinical testing. Allele origin: germline. Affected: no. Observed: 1 variant allele. Not counted in ClinVar's aggregate classification.

Constitutional Genetics Lab, Leon Berard Cancer Center
Classification: Pathogenic for Lynch-like syndrome. Last evaluated: 2019-07-01. Review status: no assertion criteria provided. Collection method: clinical testing. Allele origin: somatic. Affected: yes. Not counted in ClinVar's aggregate classification.

Gharavi Laboratory, Columbia University
Classification: Pathogenic. Last evaluated: 2018-09-16. Review status: no assertion criteria provided. Criteria: ACMG Guidelines, 2015. Collection method: research. Allele origin: germline. Affected: yes. Not counted in ClinVar's aggregate classification.

Clinical Genetics Laboratory, Department of Pathology, Netherlands Cancer Institute
Classification: Pathogenic. Review status: no assertion criteria provided. Collection method: clinical testing. Allele origin: germline. Affected: yes. Study: VKGL Data-share Consensus. Not counted in ClinVar's aggregate classification.

Department of Pathology and Laboratory Medicine, Sinai Health System
Classification: Pathogenic for Carcinoma of colon. Review status: no assertion criteria provided. Collection method: clinical testing. Allele origin: unknown. Affected: yes. Observed: 1 variant allele. Study: The Canadian Open Genetics Repository (COGR). Not counted in ClinVar's aggregate classification.
Comment: The p.Arg495X variant has been reported in the HGMD, COSMIC, InSiGHT databases and once in the literature in 5 out of 1028 proband chromosomes in individuals with HNPCC. However, no controls were tested to establish the frequency of the variant in the general population (Sjursen 2010). The variant leads to a premature stop codon at position 495 which is predicted to cause premature truncation of the protein product. This is a loss of function DNA variant and loss of function the MSH6 gene is an established disease mechanism for Lynch syndrome. In summary, based on the above information, this variant is classified as pathogenic.

Diagnostic Laboratory, Department of Genetics, University Medical Center Groningen
Classification: Pathogenic. Review status: no assertion criteria provided. Collection method: clinical testing. Allele origin: germline. Affected: yes. Study: VKGL Data-share Consensus. Not counted in ClinVar's aggregate classification.

Mayo Clinic Laboratories, Mayo Clinic
Classification: Likely pathogenic. Review status: no assertion criteria provided. Collection method: research. Allele origin: unknown. Observed: 1 variant allele. Not counted in ClinVar's aggregate classification.

Literature cited by the submitters: PubMed 27601186 (cited by 6 submitters); PubMed 34707409 (cited by Center for Genomic Medicine, Rigshospitalet, Copenhagen University Hospital); PubMed 18269114 (cited by Labcorp Genetics (formerly Invitae), Labcorp); PubMed 24362816 (cited by Labcorp Genetics (formerly Invitae), Labcorp); PubMed 20587412 (cited by 6 submitters); PubMed 21642682 (cited by 5 submitters); PubMed 26437257 (cited by 5 submitters); PubMed 23294250 (cited by 5 submitters); PubMed 27013479 (cited by 4 submitters); PubMed 28724667 (cited by 4 submitters); PubMed 28874130 (cited by 5 submitters); PubMed 33471991 (cited by All of Us Research Program, National Institutes of Health and Color Diagnostics, LLC DBA Color Health); PubMed 31054147 (cited by Laboratory for Molecular Medicine, Mass General Brigham Personalized Medicine).